The following is an entry in ClinVar:

ClinVar aggregate classification (germline): Likely benign (0 of 4 stars; one submission).

Conditions:
SEMA5A-related disorder. Also called: SEMA5A-related condition.

Allele frequency attached by ClinVar (database versions not stated): ESP Exome Variant Server 0.00008; gnomAD exomes 0.00009; ExAC 0.00012; TOPMed 0.00021; gnomAD 0.00023.
gnomAD v4.1: 174 of 1,613,824 alleles (0.011%); highest among the groups gnomAD compares: Admixed American, 0.093%; 1 homozygote.

Submission:

PreventionGenetics, part of Exact Sciences
Classification: Likely benign for SEMA5A-related condition. Last evaluated: 2023-04-06. Review status: no assertion criteria provided. Collection method: clinical testing. Allele origin: germline.
Comment: This variant is classified as likely benign based on ACMG/AMP sequence variant interpretation guidelines (Richards et al. 2015 PMID: 25741868, with internal and published modifications).

NM_003966.3(SEMA5A):c.2328G>T (p.Gly776=)

Gene: SEMA5A (semaphorin 5A; minus strand). Cytogenetic location: 5p15.31.
Variant type: single nucleotide variant.
Coding change: c.2328G>T on transcript NM_003966.3 (MANE Select); coding-DNA position 2328, G replaced by T.
Protein change: p.Gly776=; no amino-acid change (glycine 776 retained).
Molecular consequence: synonymous variant.
Genome position (GRCh38, 1-based): chr5:9,063,077, C>A on the plus strand (G>T on the coding strand, the complement: SEMA5A is on the minus strand). VCF-style: chr5-9063077-C-A. GRCh37 (hg19) VCF-style: chr5-9063189-C-A.
Identifiers: ClinVar variation 3046664 (VCV003046664.2), dbSNP rs142331748, ClinGen allele CA3196470.